The following is an entry in ClinVar:

ClinVar aggregate classification (germline): Uncertain significance (1 of 4 stars; one submission).

Conditions:
Beck-Fahrner syndrome (BEFAHRS). Identifiers: Orphanet 684216, MedGen C5394097, MONDO:0032922, OMIM 618798.

Submission:

Illumina Laboratory Services, Illumina
Classification: Uncertain significance for Beck-Fahrner syndrome. Last evaluated: 2021-10-14. Review status: criteria provided, single submitter. Criteria: ICSLVariantClassificationCriteria RUGD 01 April 2020. Collection method: clinical testing. Allele origin: unknown.
Comment: The TET3 c.2033C>T (p.Pro678Leu) variant is a missense variant. A literature search was performed for the gene, cDNA change, and amino acid change. No publications were found based on this search. The p.Pro678Leu variant is not reported in the Genome Aggregation Database (version 2.1.1 or version 3.1.1) in a region of good sequencing coverage, suggesting the variant is rare. Based on the limited evidence, the p.Pro678Leu variant is classified as a variant of uncertain significance for Beck-Fahrner syndrome.

NM_001287491.2(TET3):c.2033C>T (p.Pro678Leu)

Gene: TET3 (tet methylcytosine dioxygenase 3; plus strand). Cytogenetic location: 2p13.1.
Variant type: single nucleotide variant.
Coding change: c.2033C>T on transcript NM_001287491.2 (MANE Select); coding-DNA position 2033, C replaced by T.
Protein change: p.Pro678Leu; replaces proline 678 with leucine.
Molecular consequence: missense variant.
Genome position (GRCh38, 1-based): chr2:74,047,950, C>T. VCF-style: chr2-74047950-C-T. GRCh37 (hg19) VCF-style: chr2-74275077-C-T.
Other names: c.1754C>T, p.Pro585Leu (NM_001366022.1); short protein forms P585L, P678L.
Identifiers: ClinVar variation 1328163 (VCV001328163.4), dbSNP rs2103696490, ClinGen allele CA347329704.